The following is an entry in ClinVar:

NM_004336.5(BUB1):c.2203+2T>A

Gene: BUB1 (BUB1 mitotic checkpoint serine/threonine kinase; minus strand). Cytogenetic location: 2q13.
Variant type: single nucleotide variant.
Coding change: c.2203+2T>A on transcript NM_004336.5 (MANE Select); the canonical splice donor site of the intron after coding-DNA position 2203, T replaced by A.
Molecular consequence: splice donor variant.
Genome position (GRCh38, 1-based): chr2:110,650,544, A>T on the plus strand (T>A on the coding strand, the complement: BUB1 is on the minus strand). VCF-style: chr2-110650544-A-T. GRCh37 (hg19) VCF-style: chr2-111408121-A-T.
Other names: c.2143+2T>A (NM_001278616.2); c.2203+2T>A (NM_001278617.2).
Identifiers: ClinVar variation 4736836 (VCV004736836.1).

ClinVar aggregate classification (germline): Uncertain significance (1 of 4 stars; one submission).

gnomAD v4.1: 16 of 1,612,612 alleles (0.00099%); highest among the groups gnomAD compares: East Asian, 0.013%; no homozygotes.

Submission:

Labcorp Genetics (formerly Invitae), Labcorp
Classification: Uncertain significance. Last evaluated: 2026-01-02. Review status: criteria provided, single submitter. Criteria: Invitae Variant Classification Sherloc (09022015). Collection method: clinical testing. Allele origin: germline.
Comment: This sequence change affects a donor splice site in intron 18 of the BUB1 gene. It is expected to disrupt RNA splicing. Variants that disrupt the donor or acceptor splice site typically lead to a loss of protein function (PMID: 16199547), however the current clinical and genetic evidence is not sufficient to establish whether loss-of-function variants in BUB1 cause disease. This variant is present in population databases (no rsID available, gnomAD 0.06%). This variant has not been reported in the literature in individuals affected with BUB1-related conditions. Algorithms developed to predict the effect of sequence changes on RNA splicing suggest that this variant may disrupt the consensus splice site. In summary, the available evidence is currently insufficient to determine the role of this variant in disease. Therefore, it has been classified as a Variant of Uncertain Significance.

Literature cited by the submitters: PubMed 16199547.